The following is an entry in ClinVar:

ClinVar aggregate classification (germline): Uncertain significance. Review status: criteria provided, single submitter (1 of 4 stars). 2 submissions from 2 submitters: Uncertain significance (1). 1 of the submissions does not count toward it. Last evaluated 2018-01-26.

Conditions:
ANK3-related disorder. Also called: ANK3-related condition.
Intellectual developmental disorder, autosomal recessive 37. Also called: Intellectual disability-hypotonia-spasticity-sleep disorder syndrome. Identifiers: Orphanet 356996, MedGen C3809672, MONDO:0014210, OMIM 615493.

Allele frequency attached by ClinVar (database versions not stated): gnomAD 0.00023 and 0.00014; gnomAD exomes 0.00028 and 0.00058; ExAC 0.00060; 1000 Genomes Project 30x 0.00047; TOPMed 0.00033; 1000 Genomes Project 0.00060.
gnomAD v4.1: 438 of 1,614,162 alleles (0.027%); highest among the groups gnomAD compares: East Asian, 0.74%; 3 homozygotes.

Submissions (2):

Baylor Genetics
Classification: Uncertain significance for Intellectual developmental disorder, autosomal recessive 37. Last evaluated: 2018-01-26. Review status: criteria provided, single submitter. Criteria: ACMG Guidelines, 2015. Collection method: clinical testing. Allele origin: paternal. Affected: yes.
Comment: This variant was determined to be of uncertain significance according to ACMG Guidelines, 2015 [PMID:25741868].

PreventionGenetics, part of Exact Sciences
Classification: Likely benign for ANK3-related condition. Last evaluated: 2019-07-30. Review status: no assertion criteria provided. Collection method: clinical testing. Allele origin: germline. Not counted in ClinVar's aggregate classification.
Comment: This variant is classified as likely benign based on ACMG/AMP sequence variant interpretation guidelines (Richards et al. 2015 PMID: 25741868, with internal and published modifications).

NM_020987.5(ANK3):c.12596-480C>G

Gene: ANK3 (ankyrin 3; minus strand). Cytogenetic location: 10q21.2.
Variant type: single nucleotide variant.
Coding change: c.12596-480C>G on transcript NM_020987.5 (MANE Select); 480 bases into the intron before coding-DNA position 12596, C replaced by G.
Molecular consequence: intron variant. On other transcripts: missense variant (4).
Genome position (GRCh38, 1-based): chr10:60,059,910, G>C on the plus strand (C>G on the coding strand, the complement: ANK3 is on the minus strand). VCF-style: chr10-60059910-G-C. GRCh37 (hg19) VCF-style: chr10-61819668-G-C.
Other names: c.2255C>G, p.Ser752Cys (NM_001149.4); c.4835C>G, p.Ser1612Cys (NM_001204403.2); c.4856C>G, p.Ser1619Cys (NM_001204404.2); c.4853C>G, p.Ser1618Cys (NM_001320874.2); c.4856C>G (NM_001204404.1); short protein forms S1612C, S1618C, S1619C, S752C.
Identifiers: ClinVar variation 1033564 (VCV001033564.3), dbSNP rs201845881, ClinGen allele CA5510822.
Genomic context (GRCh38, chr10:60,059,910, plus strand): 5'-TGGGAAGGCACTAGCCCATCACTCAGTCTACTAGGGGTTCTAAGGGGAGATTCTATGCTA[G>C]AGATATCACTAAAATAATCATCTTGCTGGAAAGGGGTAGGTGGTGTGTAGTGCAACCCTG-3'